The following is an entry in ClinVar:

ClinVar aggregate classification (germline): Uncertain significance (1 of 4 stars; one submission).

Submission:

GeneDx
Classification: Uncertain significance. Last evaluated: 2024-08-06. Review status: criteria provided, single submitter. Criteria: GeneDx Variant Classification Process June 2021. Collection method: clinical testing. Allele origin: germline. Affected: yes.
Comment: Not observed at significant frequency in large population cohorts (gnomAD); Frameshift variant predicted to result in protein truncation or nonsense mediated decay in a gene or region of a gene for which loss of function is not a well-established mechanism of disease; Has not been previously published as pathogenic or benign to our knowledge

NM_001395002.1(MAP4K4):c.2557_2572dup (p.Glu858delinsGlyAspAspGlyTer)

Genes: MAP4K4 (mitogen-activated protein kinase kinase kinase kinase 4; plus strand), LOC122817718 (Sharpr-MPRA regulatory region 3767; plus strand). Cytogenetic location: 2q11.2.
Variant type: Duplication.
Coding change: c.2557_2572dup on transcript NM_001395002.1 (MANE Select); coding-DNA positions 2557 to 2572, 16 bases duplicated (GGGACGACGGATGAGG).
Protein change: p.Glu858delinsGlyAspAspGlyTer.
Molecular consequence: nonsense. On other transcripts: non-coding transcript variant (4).
Genome position (GRCh38, 1-based): chr2:101,869,715-101,869,730, GGGACGACGGATGAGG duplicated; duplicating any 16 consecutive bases within chr2:101,869,714-101,869,730 gives the same sequence; the c. name uses the placement nearest the transcript's 3' end. VCF-style (leftmost placement, unchanged base first): chr2-101869713-C-CGGGGACGACGGATGAG. GRCh37 (hg19) VCF-style: chr2-102486175-C-CGGGGACGACGGATGAG.
Other names: c.2314_2329dup, p.Glu777delinsGlyAspAspGlyTer (NM_001242559.2); c.2302_2317dup, p.Glu773delinsGlyAspAspGlyTer (NM_001242560.2); c.2392_2407dup, p.Glu803delinsGlyAspAspGlyTer (NM_001384476.1); c.2389_2404dup, p.Glu802delinsGlyAspAspGlyTer (NM_001384477.1, NM_001384508.1); c.2071_2086dup, p.Glu696delinsGlyAspAspGlyTer (NM_001384478.1, NM_001384495.1); c.2317_2332dup, p.Glu778delinsGlyAspAspGlyTer (NM_001384481.1); c.2062_2077dup, p.Glu693delinsGlyAspAspGlyTer (NM_001384482.1); c.2152_2167dup, p.Glu723delinsGlyAspAspGlyTer (NM_001384483.1); and 31 more.
Identifiers: ClinVar variation 3603075 (VCV003603075.1).